The following is an entry in ClinVar:

NM_001254.4(CDC6):c.155C>T (p.Pro52Leu)

Gene: CDC6 (cell division cycle 6; plus strand). Cytogenetic location: 17q21.2.
Variant type: single nucleotide variant.
Coding change: c.155C>T on transcript NM_001254.4 (MANE Select); coding-DNA position 155, C replaced by T.
Protein change: p.Pro52Leu; replaces proline 52 with leucine.
Molecular consequence: missense variant.
Genome position (GRCh38, 1-based): chr17:40,289,575, C>T. VCF-style: chr17-40289575-C-T. GRCh37 (hg19) VCF-style: chr17-38445827-C-T.
Other names: short protein forms P52L.
Identifiers: ClinVar variation 1514443 (VCV001514443.8), dbSNP rs1282323097, ClinGen allele CA399325304.

ClinVar aggregate classification (germline): Uncertain significance (1 of 4 stars; one submission).

Allele frequency attached by ClinVar (database versions not stated): gnomAD exomes below 0.00001.

Submission:

Labcorp Genetics (formerly Invitae), Labcorp
Classification: Uncertain significance. Last evaluated: 2021-03-20. Review status: criteria provided, single submitter. Criteria: Invitae Variant Classification Sherloc (09022015). Collection method: clinical testing. Allele origin: germline.
Comment: In summary, the available evidence is currently insufficient to determine the role of this variant in disease. Therefore, it has been classified as a Variant of Uncertain Significance. Algorithms developed to predict the effect of missense changes on protein structure and function are either unavailable or do not agree on the potential impact of this missense change (SIFT: "Deleterious"; PolyPhen-2: "Probably Damaging"; Align-GVGD: "Class C0"). This variant has not been reported in the literature in individuals with CDC6-related conditions. This variant is not present in population databases (ExAC no frequency). This sequence change replaces proline with leucine at codon 52 of the CDC6 protein (p.Pro52Leu). The proline residue is highly conserved and there is a moderate physicochemical difference between proline and leucine.